The following is an entry in ClinVar:

ClinVar aggregate classification (germline): Uncertain significance (1 of 4 stars; one submission).

Conditions:
Left ventricular noncompaction 8 (LVNC8). Identifiers: Orphanet 154, Orphanet 54260, MedGen C3809288, MONDO:0014152, OMIM 615373.

gnomAD v4.1: 5 of 1,480,430 alleles (0.00034%); highest among the groups gnomAD compares: East Asian, 0.0023%; no homozygotes.

Submission:

Labcorp Genetics (formerly Invitae), Labcorp
Classification: Uncertain significance for Left ventricular noncompaction 8. Last evaluated: 2026-01-15. Review status: criteria provided, single submitter. Criteria: Invitae Variant Classification Sherloc (09022015). Collection method: clinical testing. Allele origin: germline.
Comment: This sequence change falls in intron 2 of the PRDM16 gene. It does not directly change the encoded amino acid sequence of the PRDM16 protein. It affects a nucleotide within the consensus splice site. The frequency data for this variant in the population databases is considered unreliable, as metrics indicate poor data quality at this position in the gnomAD database. This variant has not been reported in the literature in individuals affected with PRDM16-related conditions. ClinVar contains an entry for this variant (Variation ID: 657024). Variants that disrupt the consensus splice site are a relatively common cause of aberrant splicing (PMID: 17576681, 9536098). Algorithms developed to predict the effect of sequence changes on RNA splicing suggest that this variant is not likely to affect RNA splicing. In summary, the available evidence is currently insufficient to determine the role of this variant in disease. Therefore, it has been classified as a Variant of Uncertain Significance.

Literature cited by the submitters: PubMed 17576681; PubMed 9536098.

NM_022114.4(PRDM16):c.387+6C>A

Gene: PRDM16 (PR/SET domain 16; plus strand). Cytogenetic location: 1p36.32.
Variant type: single nucleotide variant.
Coding change: c.387+6C>A on transcript NM_022114.4 (MANE Select); 6 bases into the intron after coding-DNA position 387, C replaced by A.
Molecular consequence: intron variant.
Genome position (GRCh38, 1-based): chr1:3,186,480, C>A. VCF-style: chr1-3186480-C-A. GRCh37 (hg19) VCF-style: chr1-3103044-C-A.
Other names: c.387+6C>A (NM_199454.3).
Identifiers: ClinVar variation 657024 (VCV000657024.8), dbSNP rs369010644, ClinGen allele CA521021735.